The following is an entry in ClinVar:

NM_018124.4(RFWD3):c.634A>C (p.Ser212Arg)

Gene: RFWD3 (ring finger and WD repeat domain 3; minus strand). Cytogenetic location: 16q23.1.
Variant type: single nucleotide variant.
Coding change: c.634A>C on transcript NM_018124.4 (MANE Select); coding-DNA position 634, A replaced by C.
Protein change: p.Ser212Arg; replaces serine 212 with arginine.
Molecular consequence: missense variant. On other transcripts: 5 prime UTR variant (4), intron variant (1).
Genome position (GRCh38, 1-based): chr16:74,652,007, T>G on the plus strand (A>C on the coding strand, the complement: RFWD3 is on the minus strand). VCF-style: chr16-74652007-T-G. GRCh37 (hg19) VCF-style: chr16-74685905-T-G.
Other names: c.634A>C, p.Ser212Arg (NM_001370534.1, NM_001370535.1, NM_001370536.1); c.-375A>C (NM_001370537.1); c.-201A>C (NM_001370540.1); c.-252A>C (NM_001370542.1); c.-130A>C (NM_001370543.1); c.-113-2805A>C (NM_001370539.1); short protein forms S212R.
Identifiers: ClinVar variation 4732398 (VCV004732398.1).
Genomic context (GRCh38, chr16:74,652,007, plus strand): 5'-CTGCCTGGTCAACAACCCCTCCATACTCTGCAGAGCTGTCACTGTCAGAATCAGAACTAC[T>G]AGACACCTGCAACTCTTCAGATACAGGATTCCTAGTCTCTGAATCATAAGTGGTAGCTGG-3'
Protein context (NP_060594.3, residues 202-222): NPVSEELQVS[Ser212Arg]SSDSDSDSSA

ClinVar aggregate classification (germline): Uncertain significance (1 of 4 stars; one submission).

Submission:

Labcorp Genetics (formerly Invitae), Labcorp
Classification: Uncertain significance. Last evaluated: 2025-12-02. Review status: criteria provided, single submitter. Criteria: Invitae Variant Classification Sherloc (09022015). Collection method: clinical testing. Allele origin: germline.
Comment: This sequence change replaces serine, which is neutral and polar, with arginine, which is basic and polar, at codon 212 of the RFWD3 protein (p.Ser212Arg). This variant is not present in population databases (gnomAD no frequency). This variant has not been reported in the literature in individuals affected with RFWD3-related conditions. An algorithm developed to predict the effect of missense changes on protein structure and function (PolyPhen-2) suggests that this variant is likely to be tolerated. In summary, the available evidence is currently insufficient to determine the role of this variant in disease. Therefore, it has been classified as a Variant of Uncertain Significance.